The following is an entry in ClinVar:

NM_002299.4(LCT):c.1899C>A (p.His633Gln)

Gene: LCT (lactase; minus strand). Cytogenetic location: 2q21.3.
Variant type: single nucleotide variant.
Coding change: c.1899C>A on transcript NM_002299.4 (MANE Select); coding-DNA position 1899, C replaced by A.
Protein change: p.His633Gln; replaces histidine 633 with glutamine.
Molecular consequence: missense variant.
Genome position (GRCh38, 1-based): chr2:135,812,765, G>T on the plus strand (C>A on the coding strand, the complement: LCT is on the minus strand). VCF-style: chr2-135812765-G-T. GRCh37 (hg19) VCF-style: chr2-136570335-G-T.
Other names: short protein forms H633Q.
Identifiers: ClinVar variation 1386780 (VCV001386780.8), dbSNP rs1227458387, ClinGen allele CA348605122.

ClinVar aggregate classification (germline): Uncertain significance (1 of 4 stars; one submission).

Allele frequency attached by ClinVar (database versions not stated): TOPMed below 0.00001.
gnomAD v4.1: 1 of 1,614,176 alleles (0.000062%); no homozygotes.

Submission:

Labcorp Genetics (formerly Invitae), Labcorp
Classification: Uncertain significance. Last evaluated: 2022-09-13. Review status: criteria provided, single submitter. Criteria: Invitae Variant Classification Sherloc (09022015). Collection method: clinical testing. Allele origin: germline.
Comment: This sequence change replaces histidine, which is basic and polar, with glutamine, which is neutral and polar, at codon 633 of the LCT protein (p.His633Gln). This variant is present in population databases (no rsID available, gnomAD 0.0009%). This variant has not been reported in the literature in individuals affected with LCT-related conditions. ClinVar contains an entry for this variant (Variation ID: 1386780). Algorithms developed to predict the effect of missense changes on protein structure and function are either unavailable or do not agree on the potential impact of this missense change (SIFT: "Not Available"; PolyPhen-2: "Probably Damaging"; Align-GVGD: "Not Available"). In summary, the available evidence is currently insufficient to determine the role of this variant in disease. Therefore, it has been classified as a Variant of Uncertain Significance.